The following is an entry in ClinVar:

ClinVar aggregate classification (germline): Likely pathogenic (1 of 4 stars; one submission).

Conditions:
Early-infantile DEE. Also called: Early infantile epileptic encephalopathy; Early infantile epileptic encephalopathy with suppression bursts; Ohtahara syndrome. Identifiers: Orphanet 1934, MedGen C0393706, MONDO:0800491.

Submission:

Labcorp Genetics (formerly Invitae), Labcorp
Classification: Likely pathogenic for Early-infantile DEE. Last evaluated: 2021-04-27. Review status: criteria provided, single submitter. Criteria: Invitae Variant Classification Sherloc (09022015). Collection method: clinical testing. Allele origin: germline.
Comment: This sequence change replaces lysine with asparagine at codon 271 of the GNAO1 protein (p.Lys271Asn). The lysine residue is highly conserved and there is a moderate physicochemical difference between lysine and asparagine. This variant is not present in population databases (ExAC no frequency). This variant has been observed in individual(s) with clinical features of developmental and epileptic encephalopathy (Invitae). In at least one individual the variant was observed to be de novo. ClinVar contains an entry for this variant (Variation ID: 530527). Algorithms developed to predict the effect of missense changes on protein structure and function are either unavailable or do not agree on the potential impact of this missense change (SIFT: "Deleterious"; PolyPhen-2: "Probably Damaging"; Align-GVGD: "Class C0"). In summary, the currently available evidence indicates that the variant is pathogenic, but additional data are needed to prove that conclusively. Therefore, this variant has been classified as Likely Pathogenic.

NM_020988.3(GNAO1):c.813G>C (p.Lys271Asn)

Gene: GNAO1 (G protein subunit alpha o1; plus strand). Cytogenetic location: 16q13.
Variant type: single nucleotide variant.
Coding change: c.813G>C on transcript NM_020988.3 (MANE Select); coding-DNA position 813, G replaced by C.
Protein change: p.Lys271Asn; replaces lysine 271 with asparagine.
Molecular consequence: missense variant.
Genome position (GRCh38, 1-based): chr16:56,351,473, G>C. VCF-style: chr16-56351473-G-C. GRCh37 (hg19) VCF-style: chr16-56385385-G-C.
Other names: short protein forms K271N.
Identifiers: ClinVar variation 530527 (VCV000530527.9), dbSNP rs758779535, ClinGen allele CA395954788.
Genomic context (GRCh38, chr16:56,351,473, plus strand): 5'-CGACTCCATCTGTAACAACAAGTTCTTCATCGATACCTCCATCATTCTCTTCCTCAACAA[G>C]AAAGATCTCTTTGGCGAGAAGATCAAGAAGTCACCTTTGACCATCTGCTTTCCTGAATAC-3'
Protein context (NP_066268.1, residues 261-281): IDTSIILFLN[Lys271Asn]KDLFGEKIKK